The following is an entry in ClinVar:

NM_203447.4(DOCK8):c.3595G>A (p.Asp1199Asn)

Gene: DOCK8 (dedicator of cytokinesis 8; plus strand). Cytogenetic location: 9p24.3.
Variant type: single nucleotide variant.
Coding change: c.3595G>A on transcript NM_203447.4 (MANE Select); coding-DNA position 3595, G replaced by A.
Protein change: p.Asp1199Asn; replaces aspartic acid 1199 with asparagine.
Molecular consequence: missense variant.
Genome position (GRCh38, 1-based): chr9:414,846, G>A. VCF-style: chr9-414846-G-A. GRCh37 (hg19) VCF-style: chr9-414846-G-A.
Other names: c.3295G>A, p.Asp1099Asn (NM_001190458.2); c.3391G>A, p.Asp1131Asn (NM_001193536.2); short protein forms D1199N, D1131N, D1099N.
Identifiers: ClinVar variation 930924 (VCV000930924.3), dbSNP rs2055912945, ClinGen allele CA372760506.

ClinVar aggregate classification (germline): Uncertain significance (1 of 4 stars; one submission).

Conditions:
Combined immunodeficiency due to DOCK8 deficiency (HIES2). Also called: Hyper-IgE recurrent infection syndrome, autosomal recessive; HYPER-IgE RECURRENT INFECTION SYNDROME 2, AUTOSOMAL RECESSIVE; HIES autosomal recessive; DOCK8 Deficiency; HYPER-IgE SYNDROME 2, AUTOSOMAL RECESSIVE, WITH RECURRENT INFECTIONS. Identifiers: Orphanet 217390, MedGen C4722305, MONDO:0009478, OMIM 243700.

Allele frequency attached by ClinVar (database versions not stated): TOPMed below 0.00001.

Submission:

Centre for Mendelian Genomics, University Medical Centre Ljubljana
Classification: Uncertain significance for Combined immunodeficiency due to DOCK8 deficiency. Last evaluated: 2020-03-19. Review status: criteria provided, single submitter. Criteria: ACMG Guidelines, 2015. Collection method: clinical testing. Allele origin: unknown. Affected: yes.
Comment: This variant was classified as: Uncertain significance. The following ACMG criteria were applied in classifying this variant: PM2,PP3.